The following is an entry in ClinVar:

ClinVar aggregate classification (germline): Uncertain significance (1 of 4 stars; one submission).

Submission:

Dasa
Classification: Uncertain significance. Last evaluated: 2025-03-28. Review status: criteria provided, single submitter. Criteria: DASA Assertion Criteria. Collection method: clinical testing. Allele origin: germline.
Comment: NM_001005498.4(RHBDF2):c.1887G>A (p.Trp629*) is a nonsense variant in RHBDF2 predicted to introduce a premature termination codon. This variant is absent from population databases. Computational prediction algorithms are consistent with a deleterious effect. The currently available literature and clinical evidence are not sufficient to establish a definitive association between this variant and the reported condition. Therefore, this variant is classified as a variant of uncertain significance.

NM_001005498.4(RHBDF2):c.1887G>A (p.Trp629Ter)

Gene: RHBDF2 (rhomboid 5 homolog 2; minus strand). Cytogenetic location: 17q25.1.
Variant type: single nucleotide variant.
Coding change: c.1887G>A on transcript NM_001005498.4 (MANE Select); coding-DNA position 1887, G replaced by A.
Protein change: p.Trp629Ter; replaces tryptophan 629 with a stop codon.
Molecular consequence: nonsense. On other transcripts: non-coding transcript variant (3).
Genome position (GRCh38, 1-based): chr17:76,473,028, C>T on the plus strand (G>A on the coding strand, the complement: RHBDF2 is on the minus strand). VCF-style: chr17-76473028-C-T. GRCh37 (hg19) VCF-style: chr17-74469110-C-T.
Other names: c.1887G>A, p.Trp629Ter (NM_001376228.1, NM_001376229.1, NM_001376230.1); c.1974G>A, p.Trp658Ter (NM_024599.5); short protein forms W629*, W658*.
Identifiers: ClinVar variation 4883428 (VCV004883428.2).